The following is an entry in ClinVar:

ClinVar aggregate classification (germline): Uncertain significance (1 of 4 stars; one submission).

Conditions:
Multiple gastrointestinal atresias. Also called: Multiple intestinal atresia; FAMILIAL INTESTINAL POLYATRESIA SYNDROME. Identifiers: Orphanet 2300, MedGen C0220744, MONDO:0009465.

Allele frequency attached by ClinVar (database versions not stated): gnomAD exomes below 0.00001 and 0.00001; ExAC 0.00001; gnomAD 0.00002; TOPMed 0.00002.
gnomAD v4.1: 7 of 1,614,086 alleles (0.00043%); highest among the groups gnomAD compares: Non-Finnish European, 0.00059%; no homozygotes.

Submission:

Labcorp Genetics (formerly Invitae), Labcorp
Classification: Uncertain significance for Multiple gastrointestinal atresias. Last evaluated: 2021-09-01. Review status: criteria provided, single submitter. Criteria: Invitae Variant Classification Sherloc (09022015). Collection method: clinical testing. Allele origin: germline.
Comment: This sequence change replaces methionine with isoleucine at codon 473 of the TTC7A protein (p.Met473Ile). The methionine residue is weakly conserved and there is a small physicochemical difference between methionine and isoleucine. This variant is present in population databases (rs751253516, ExAC 0.001%). This variant has not been reported in the literature in individuals affected with TTC7A-related conditions. Algorithms developed to predict the effect of missense changes on protein structure and function (SIFT, PolyPhen-2, Align-GVGD) all suggest that this variant is likely to be tolerated. In summary, the available evidence is currently insufficient to determine the role of this variant in disease. Therefore, it has been classified as a Variant of Uncertain Significance.

NM_020458.4(TTC7A):c.1419G>A (p.Met473Ile)

Gene: TTC7A (tetratricopeptide repeat domain 7A; plus strand). Cytogenetic location: 2p21.
Variant type: single nucleotide variant.
Coding change: c.1419G>A on transcript NM_020458.4 (MANE Select); coding-DNA position 1419, G replaced by A.
Protein change: p.Met473Ile; replaces methionine 473 with isoleucine.
Molecular consequence: missense variant.
Genome position (GRCh38, 1-based): chr2:47,021,888, G>A. VCF-style: chr2-47021888-G-A. GRCh37 (hg19) VCF-style: chr2-47249027-G-A.
Other names: c.1419G>A, p.Met473Ile (NM_001288951.2); c.1317G>A, p.Met439Ile (NM_001288953.2); c.357G>A, p.Met119Ile (NM_001288955.2); short protein forms M119I, M439I, M473I.
Identifiers: ClinVar variation 844434 (VCV000844434.7), dbSNP rs751253516, ClinGen allele CA1647662.